The following is an entry in ClinVar:

NM_005633.4(SOS1):c.715G>C (p.Ala239Pro)

Gene: SOS1 (SOS Ras/Rac guanine nucleotide exchange factor 1; minus strand). Cytogenetic location: 2p22.1.
Variant type: single nucleotide variant.
Coding change: c.715G>C on transcript NM_005633.4 (MANE Select); coding-DNA position 715, G replaced by C.
Protein change: p.Ala239Pro; replaces alanine 239 with proline.
Molecular consequence: missense variant.
Genome position (GRCh38, 1-based): chr2:39,054,619, C>G on the plus strand (G>C on the coding strand, the complement: SOS1 is on the minus strand). VCF-style: chr2-39054619-C-G. GRCh37 (hg19) VCF-style: chr2-39281760-C-G.
Other names: c.694G>C, p.Ala232Pro (NM_001382394.1); c.715G>C, p.Ala239Pro (NM_001382395.1); short protein forms A232P, A239P.
Identifiers: ClinVar variation 2744884 (VCV002744884.3), dbSNP rs746598933, ClinGen allele CA346372912.

ClinVar aggregate classification (germline): Uncertain significance (1 of 4 stars; one submission).

Conditions:
RASopathy. Also called: rasopathies; Noonan spectrum disorder. Identifiers: Orphanet 536391, MedGen C5555857, MONDO:0021060.

gnomAD v4.1: 1 of 1,544,134 alleles (0.000065%); highest among the groups gnomAD compares: Non-Finnish European, 0.000089%; no homozygotes.

Submission:

Labcorp Genetics (formerly Invitae), Labcorp
Classification: Uncertain significance for RASopathy. Last evaluated: 2023-07-19. Review status: criteria provided, single submitter. Criteria: Invitae Variant Classification Sherloc (09022015). Collection method: clinical testing. Allele origin: germline.
Comment: In summary, the available evidence is currently insufficient to determine the role of this variant in disease. Therefore, it has been classified as a Variant of Uncertain Significance. Advanced modeling of protein sequence and biophysical properties (such as structural, functional, and spatial information, amino acid conservation, physicochemical variation, residue mobility, and thermodynamic stability) performed at Invitae indicates that this missense variant is not expected to disrupt SOS1 protein function. This variant has not been reported in the literature in individuals affected with SOS1-related conditions. This variant is not present in population databases (gnomAD no frequency). This sequence change replaces alanine, which is neutral and non-polar, with proline, which is neutral and non-polar, at codon 239 of the SOS1 protein (p.Ala239Pro).